The following is an entry in ClinVar:

NM_005633.4(SOS1):c.3163C>T (p.Pro1055Ser)

Gene: SOS1 (SOS Ras/Rac guanine nucleotide exchange factor 1; minus strand). Cytogenetic location: 2p22.1.
Variant type: single nucleotide variant.
Coding change: c.3163C>T on transcript NM_005633.4 (MANE Select); coding-DNA position 3163, C replaced by T.
Protein change: p.Pro1055Ser; replaces proline 1055 with serine.
Molecular consequence: missense variant.
Genome position (GRCh38, 1-based): chr2:38,995,306, G>A on the plus strand (C>T on the coding strand, the complement: SOS1 is on the minus strand). VCF-style: chr2-38995306-G-A. GRCh37 (hg19) VCF-style: chr2-39222447-G-A.
Other names: c.3142C>T, p.Pro1048Ser (NM_001382394.1); c.3163C>T, p.Pro1055Ser (NM_001382395.1); short protein forms P1048S, P1055S.
Identifiers: ClinVar variation 3224889 (VCV003224889.4), dbSNP rs1246281893, ClinGen allele CA346361094.

ClinVar aggregate classification (germline): Uncertain significance. Review status: criteria provided, multiple submitters, no conflicts (2 of 4 stars). 2 submissions from 2 submitters: Uncertain significance (2). Last evaluated 2025-05-11.

Conditions:
RASopathy. Also called: rasopathies; Noonan spectrum disorder. Identifiers: Orphanet 536391, MedGen C5555857, MONDO:0021060.
Cardiovascular phenotype. Identifiers: MedGen CN230736.

gnomAD v4.1: 1 of 1,613,882 alleles (0.000062%); no homozygotes.

Submissions (2):

Labcorp Genetics (formerly Invitae), Labcorp
Classification: Uncertain significance for RASopathy. Last evaluated: 2025-05-11. Review status: criteria provided, single submitter. Criteria: Invitae Variant Classification Sherloc (09022015). Collection method: clinical testing. Allele origin: germline.
Comment: This sequence change replaces proline, which is neutral and non-polar, with serine, which is neutral and polar, at codon 1055 of the SOS1 protein (p.Pro1055Ser). This variant is not present in population databases (gnomAD no frequency). This variant has not been reported in the literature in individuals affected with SOS1-related conditions. ClinVar contains an entry for this variant (Variation ID: 3224889). Invitae Evidence Modeling of protein sequence and biophysical properties (such as structural, functional, and spatial information, amino acid conservation, physicochemical variation, residue mobility, and thermodynamic stability) has been performed for this missense variant. However, the output from this modeling did not meet the statistical confidence thresholds required to predict the impact of this variant on SOS1 protein function. In summary, the available evidence is currently insufficient to determine the role of this variant in disease. Therefore, it has been classified as a Variant of Uncertain Significance.

Ambry Genetics
Classification: Uncertain significance for Cardiovascular phenotype. Last evaluated: 2024-06-03. Review status: criteria provided, single submitter. Criteria: Ambry Variant Classification Scheme 2023. Collection method: clinical testing. Allele origin: germline.